The following is an entry in ClinVar:

NM_000535.7(PMS2):c.1182G>T (p.Lys394Asn)

Gene: PMS2 (PMS1 homolog 2, mismatch repair system component; minus strand). Cytogenetic location: 7p22.1.
Variant type: single nucleotide variant.
Coding change: c.1182G>T on transcript NM_000535.7 (MANE Select); coding-DNA position 1182, G replaced by T.
Protein change: p.Lys394Asn; replaces lysine 394 with asparagine.
Molecular consequence: missense variant. On other transcripts: non-coding transcript variant (1).
Genome position (GRCh38, 1-based): chr7:5,987,583, C>A on the plus strand (G>T on the coding strand, the complement: PMS2 is on the minus strand). VCF-style: chr7-5987583-C-A. GRCh37 (hg19) VCF-style: chr7-6027214-C-A.
Other names: c.777G>T, p.Lys259Asn (NM_001322003.2, NM_001322004.2, NM_001322005.2 and 1 more transcripts); c.1026G>T, p.Lys342Asn (NM_001322006.2); c.864G>T, p.Lys288Asn (NM_001322007.2, NM_001322008.2); c.621G>T, p.Lys207Asn (NM_001322010.2); c.249G>T, p.Lys83Asn (NM_001322011.2, NM_001322012.2); c.609G>T, p.Lys203Asn (NM_001322013.2); c.1182G>T, p.Lys394Asn (NM_001322014.2); c.873G>T, p.Lys291Asn (NM_001322015.2); short protein forms K288N, K394N, K83N, K203N, K207N, K259N, K291N, K342N.
Identifiers: ClinVar variation 818468 (VCV000818468.15), dbSNP rs1197824645, ClinGen allele CA366742619.
Genomic context (GRCh38, chr7:5,987,583, plus strand): 5'-GTCTTTTTTTTCTTCTCCAGTCCTTAATGAAGGGGATTGATCCTGCTTTTCTACCATGGG[C>A]TTTTCCAAATCCGCTGCATGCATTTTTATTAAGTTACCTAAGCAAACGTGGACGGAGAAG-3'
Protein context (NP_000526.2, residues 384-404): LIKMHAADLE[Lys394Asn]PMVEKQDQSP

ClinVar aggregate classification (germline): Uncertain significance. Review status: criteria provided, multiple submitters, no conflicts (2 of 4 stars). 4 submissions from 4 submitters: Uncertain significance (4). Last evaluated 2025-03-24.

Conditions:
Hereditary nonpolyposis colorectal neoplasms. Identifiers: MedGen C0009405, MeSH D003123.
Hereditary cancer-predisposing syndrome. Also called: Tumor predisposition; Hereditary neoplastic syndrome; Neoplastic Syndromes, Hereditary; Hereditary Cancer Syndrome. Identifiers: Orphanet 140162, MedGen C0027672, MeSH D009386, MONDO:0015356.

Allele frequency attached by ClinVar (database versions not stated): gnomAD exomes below 0.00001.

Submissions (4):

Labcorp Genetics (formerly Invitae), Labcorp
Classification: Uncertain significance for Hereditary nonpolyposis colorectal neoplasms. Last evaluated: 2025-03-24. Review status: criteria provided, single submitter. Criteria: Invitae Variant Classification Sherloc (09022015). Collection method: clinical testing. Allele origin: germline.
Comment: This sequence change replaces lysine, which is basic and polar, with asparagine, which is neutral and polar, at codon 394 of the PMS2 protein (p.Lys394Asn). This variant is present in population databases (no rsID available, gnomAD 0.007%). This variant has not been reported in the literature in individuals affected with PMS2-related conditions. ClinVar contains an entry for this variant (Variation ID: 818468). Invitae Evidence Modeling incorporating data from in vitro experimental studies (internal data) indicates that this missense variant is not expected to disrupt PMS2 function with a negative predictive value of 95%. In summary, the available evidence is currently insufficient to determine the role of this variant in disease. Therefore, it has been classified as a Variant of Uncertain Significance.

Ambry Genetics
Classification: Uncertain significance for Hereditary cancer-predisposing syndrome. Last evaluated: 2025-02-27. Review status: criteria provided, single submitter. Criteria: Ambry Variant Classification Scheme 2023. Collection method: clinical testing. Allele origin: germline.
Comment: The p.K394N variant (also known as c.1182G>T), located in coding exon 11 of the PMS2 gene, results from a G to T substitution at nucleotide position 1182. The lysine at codon 394 is replaced by asparagine, an amino acid with similar properties. This amino acid position is not well conserved in available vertebrate species. In addition, this alteration is predicted to be tolerated by in silico analysis. Based on the available evidence, the clinical significance of this variant remains unclear.

Color Diagnostics, LLC DBA Color Health
Classification: Uncertain significance for Hereditary cancer-predisposing syndrome. Last evaluated: 2024-03-06. Review status: criteria provided, single submitter. Criteria: ACMG Guidelines, 2015. Collection method: clinical testing. Allele origin: germline.
Comment: This missense variant replaces lysine with asparagine at codon 394 of the PMS2 protein. Computational prediction suggests that this variant may not impact protein structure and function (internally defined REVEL score threshold <= 0.5, PMID: 27666373). To our knowledge, functional studies have not been reported for this variant. This variant has not been reported in individuals affected with PMS2-related disorders in the literature. This variant has been identified in 1/248100 chromosomes in the general population by the Genome Aggregation Database (gnomAD). The available evidence is insufficient to determine the role of this variant in disease conclusively. Therefore, this variant is classified as a Variant of Uncertain Significance.

GeneDx
Classification: Uncertain significance. Last evaluated: 2023-06-01. Review status: criteria provided, single submitter. Criteria: GeneDx Variant Classification Process June 2021. Collection method: clinical testing. Allele origin: germline. Affected: yes.
Comment: Not observed at significant frequency in large population cohorts (gnomAD); In silico analysis supports that this missense variant does not alter protein structure/function; Has not been previously published as pathogenic or benign to our knowledge